The following is an entry in ClinVar:

ClinVar aggregate classification (germline): Uncertain significance (1 of 4 stars; one submission).

Submission:

CeGaT Center for Human Genetics Tuebingen
Classification: Uncertain significance. Last evaluated: 2026-01-01. Review status: criteria provided, single submitter. Criteria: CeGaT Center For Human Genetics Tuebingen Variant Classification Criteria Version 2. Collection method: clinical testing. Allele origin: germline. Affected: yes. Observed: 1 variant allele.
Comment: KMT2C: PM2, BP4

NM_170606.3(KMT2C):c.5618C>G (p.Thr1873Ser)

Gene: KMT2C (lysine methyltransferase 2C; minus strand). Cytogenetic location: 7q36.1.
Variant type: single nucleotide variant.
Coding change: c.5618C>G on transcript NM_170606.3 (MANE Select); coding-DNA position 5618, C replaced by G.
Protein change: p.Thr1873Ser; replaces threonine 1873 with serine.
Molecular consequence: missense variant.
Genome position (GRCh38, 1-based): chr7:152,182,242, G>C on the plus strand (C>G on the coding strand, the complement: KMT2C is on the minus strand). VCF-style: chr7-152182242-G-C. GRCh37 (hg19) VCF-style: chr7-151879327-G-C.
Other names: short protein forms T1873S.
Identifiers: ClinVar variation 4823067 (VCV004823067.4).
Genomic context (GRCh38, chr7:152,182,242, plus strand): 5'-GATGGTGGTCGTGAGTTAGAGGACCCAGGTGAAAACACTTGCGGTGAGGGTGGCTGAGAA[G>C]TCTGAGCCTGAGAAAGACTATCCTGGATGGGAATCCGGGATGGGGCTGGAGGAGGAGGTG-3'
Protein context (NP_733751.2, residues 1863-1883): PIQDSLSQAQ[Thr1873Ser]SQPPSPQVFS